The following is an entry in ClinVar:

NM_000465.4(BARD1):c.1809A>G (p.Thr603=)

Gene: BARD1 (BRCA1 associated RING domain 1; minus strand). Cytogenetic location: 2q35.
Variant type: single nucleotide variant.
Coding change: c.1809A>G on transcript NM_000465.4 (MANE Select); coding-DNA position 1809, A replaced by G.
Protein change: p.Thr603=; no amino-acid change (threonine 603 retained).
Molecular consequence: synonymous variant. On other transcripts: non-coding transcript variant (3), intron variant (1).
Genome position (GRCh38, 1-based): chr2:214,745,723, T>C on the plus strand (A>G on the coding strand, the complement: BARD1 is on the minus strand). VCF-style: chr2-214745723-T-C. GRCh37 (hg19) VCF-style: chr2-215610447-T-C.
Other names: c.1752A>G, p.Thr584= (NM_001282543.2); c.456A>G, p.Thr152= (NM_001282545.2); c.399A>G, p.Thr133= (NM_001282548.2); c.365-15215A>G (NM_001282549.2).
Identifiers: ClinVar variation 406753 (VCV000406753.7), dbSNP rs1060501292, ClinGen allele CA16610633.

ClinVar aggregate classification (germline): Uncertain significance (1 of 4 stars; one submission).

Conditions:
Familial cancer of breast. Also called: BREAST CANCER, FAMILIAL; Hereditary breast cancer; hereditary breast carcinoma. Identifiers: Orphanet 227535, MedGen C0346153, MONDO:0016419, OMIM 114480. Disease mechanism: loss of function.

Submission:

Labcorp Genetics (formerly Invitae), Labcorp
Classification: Uncertain significance for Familial cancer of breast. Last evaluated: 2024-05-12. Review status: criteria provided, single submitter. Criteria: Invitae Variant Classification Sherloc (09022015). Collection method: clinical testing. Allele origin: germline.
Comment: This sequence change affects codon 603 of the BARD1 mRNA. It is a 'silent' change, meaning that it does not change the encoded amino acid sequence of the BARD1 protein. It affects a nucleotide within the consensus splice site. This variant is not present in population databases (gnomAD no frequency). This variant has not been reported in the literature in individuals affected with BARD1-related conditions. ClinVar contains an entry for this variant (Variation ID: 406753). Studies have shown that this variant is associated with inconclusive levels of altered splicing (Invitae). In summary, the available evidence is currently insufficient to determine the role of this variant in disease. Therefore, it has been classified as a Variant of Uncertain Significance.